The following is an entry in ClinVar:

NM_006766.5(KAT6A):c.1825G>C (p.Asp609His)

Gene: KAT6A (lysine acetyltransferase 6A; minus strand). Cytogenetic location: 8p11.21.
Variant type: single nucleotide variant.
Coding change: c.1825G>C on transcript NM_006766.5 (MANE Select); coding-DNA position 1825, G replaced by C.
Protein change: p.Asp609His; replaces aspartic acid 609 with histidine.
Molecular consequence: missense variant.
Genome position (GRCh38, 1-based): chr8:41,947,828, C>G on the plus strand (G>C on the coding strand, the complement: KAT6A is on the minus strand). VCF-style: chr8-41947828-C-G. GRCh37 (hg19) VCF-style: chr8-41805346-C-G.
Other names: c.1825G>C, p.Asp609His (NM_001305878.2); short protein forms D609H.
Identifiers: ClinVar variation 3572444 (VCV003572444.1).

ClinVar aggregate classification (germline): Uncertain significance (1 of 4 stars; one submission).

Submission:

GeneDx
Classification: Uncertain significance. Last evaluated: 2024-07-12. Review status: criteria provided, single submitter. Criteria: GeneDx Variant Classification Process June 2021. Collection method: clinical testing. Allele origin: germline. Affected: yes.
Comment: Not observed at significant frequency in large population cohorts (gnomAD); In silico analysis supports that this missense variant has a deleterious effect on protein structure/function; Has not been previously published as pathogenic or benign to our knowledge